The following is an entry in ClinVar:

ClinVar aggregate classification (germline): Uncertain significance. Review status: criteria provided, multiple submitters, no conflicts (2 of 4 stars). 2 submissions from 2 submitters: Uncertain significance (2). Last evaluated 2025-02-10.

Conditions:
Kabuki syndrome. Also called: NIIKAWA-KUROKI SYNDROME; Kabuki make-up syndrome. Identifiers: Orphanet 2322, MedGen C0796004, MONDO:0016512.

Allele frequency attached by ClinVar (database versions not stated): gnomAD 0.00001; gnomAD exomes below 0.00001; TOPMed 0.00002.
gnomAD v4.1: 4 of 1,613,524 alleles (0.00025%); highest among the groups gnomAD compares: African/African-American, 0.004%; no homozygotes.

Submissions (2):

Labcorp Genetics (formerly Invitae), Labcorp
Classification: Uncertain significance for Kabuki syndrome. Last evaluated: 2025-02-10. Review status: criteria provided, single submitter. Criteria: Invitae Variant Classification Sherloc (09022015). Collection method: clinical testing. Allele origin: germline.
Comment: This sequence change replaces histidine, which is basic and polar, with glutamine, which is neutral and polar, at codon 3355 of the KMT2D protein (p.His3355Gln). This variant is not present in population databases (gnomAD no frequency). This variant has not been reported in the literature in individuals affected with KMT2D-related conditions. ClinVar contains an entry for this variant (Variation ID: 1955025). Invitae Evidence Modeling of protein sequence and biophysical properties (such as structural, functional, and spatial information, amino acid conservation, physicochemical variation, residue mobility, and thermodynamic stability) indicates that this missense variant is not expected to disrupt KMT2D protein function with a negative predictive value of 95%. In summary, the available evidence is currently insufficient to determine the role of this variant in disease. Therefore, it has been classified as a Variant of Uncertain Significance.

GeneDx
Classification: Uncertain significance. Last evaluated: 2023-05-19. Review status: criteria provided, single submitter. Criteria: GeneDx Variant Classification Process June 2021. Collection method: clinical testing. Allele origin: germline. Affected: yes.
Comment: Not observed at significant frequency in large population cohorts (gnomAD); In silico analysis supports that this missense variant does not alter protein structure/function; Has not been previously published as pathogenic or benign to our knowledge

NM_003482.4(KMT2D):c.10065T>A (p.His3355Gln)

Gene: KMT2D (lysine methyltransferase 2D; minus strand). Cytogenetic location: 12q13.12.
Variant type: single nucleotide variant.
Coding change: c.10065T>A on transcript NM_003482.4 (MANE Select); coding-DNA position 10065, T replaced by A.
Protein change: p.His3355Gln; replaces histidine 3355 with glutamine.
Molecular consequence: missense variant.
Genome position (GRCh38, 1-based): chr12:49,037,291, A>T on the plus strand (T>A on the coding strand, the complement: KMT2D is on the minus strand). VCF-style: chr12-49037291-A-T. GRCh37 (hg19) VCF-style: chr12-49431074-A-T.
Other names: short protein forms H3355Q.
Identifiers: ClinVar variation 1955025 (VCV001955025.6), dbSNP rs1263705349, ClinGen allele CA384732705.
Genomic context (GRCh38, chr12:49,037,291, plus strand): 5'-TGGCTGTGAGCTCTGCTGGGGTACCAAGCCTGCCTGCCCTCCATGCTGCCCACTTAGCAT[A>T]TGCCCTTGATTGGACACCATAGCCATGGATGGAGCCAGGCGTTGCTGGAGGGCATGAGCT-3'
Protein context (NP_003473.3, residues 3345-3365): PSMAMVSNQG[His3355Gln]MLSGQHGGQA